The following is an entry in ClinVar:

ClinVar aggregate classification (germline): Uncertain significance (1 of 4 stars; one submission).

Conditions:
Bethlem myopathy 1A. Also called: Bethlem myopathy 1; MYOPATHY, BENIGN CONGENITAL, WITH CONTRACTURES; Bethlem Muscular Dystrophy. Identifiers: Orphanet 610, MedGen CN029274, MONDO:0024530, OMIM 158810.

gnomAD v4.1: 1 of 1,612,950 alleles (0.000062%); highest among the groups gnomAD compares: African/African-American, 0.0013%; no homozygotes.

Submission:

Labcorp Genetics (formerly Invitae), Labcorp
Classification: Uncertain significance for Bethlem myopathy 1A. Last evaluated: 2023-03-08. Review status: criteria provided, single submitter. Criteria: Invitae Variant Classification Sherloc (09022015). Collection method: clinical testing. Allele origin: germline.
Comment: In summary, the available evidence is currently insufficient to determine the role of this variant in disease. Therefore, it has been classified as a Variant of Uncertain Significance. Advanced modeling of protein sequence and biophysical properties (such as structural, functional, and spatial information, amino acid conservation, physicochemical variation, residue mobility, and thermodynamic stability) performed at Invitae indicates that this missense variant is not expected to disrupt COL6A2 protein function. This variant has not been reported in the literature in individuals affected with COL6A2-related conditions. This variant is not present in population databases (gnomAD no frequency). This sequence change replaces proline, which is neutral and non-polar, with arginine, which is basic and polar, at codon 562 of the COL6A2 protein (p.Pro562Arg).

NM_001849.4(COL6A2):c.1685C>G (p.Pro562Arg)

Gene: COL6A2 (collagen type VI alpha 2 chain; plus strand). Cytogenetic location: 21q22.3.
Variant type: single nucleotide variant.
Coding change: c.1685C>G on transcript NM_001849.4 (MANE Select); coding-DNA position 1685, C replaced by G.
Protein change: p.Pro562Arg; replaces proline 562 with arginine.
Molecular consequence: missense variant.
Genome position (GRCh38, 1-based): chr21:46,124,664, C>G. VCF-style: chr21-46124664-C-G. GRCh37 (hg19) VCF-style: chr21-47544578-C-G.
Other names: c.1685C>G, p.Pro562Arg (NM_058174.3, NM_058175.3); short protein forms P562R.
Identifiers: ClinVar variation 2841384 (VCV002841384.3), dbSNP rs370775804, ClinGen allele CA410535846.